The following is an entry in ClinVar:

NM_015214.3(DDHD2):c.94_101dup (p.Ser35fs)

Gene: DDHD2 (DDHD domain containing 2; plus strand). Cytogenetic location: 8p11.23.
Variant type: Duplication.
Coding change: c.94_101dup on transcript NM_015214.3 (MANE Select); coding-DNA positions 94 to 101, 8 bases duplicated (GATGCTGG; older notation c.94_101dupGATGCTGG).
Protein change: p.Ser35fs; shifts the reading frame from serine 35.
Molecular consequence: frameshift variant. On other transcripts: non-coding transcript variant (2).
Genome position (GRCh38, 1-based): chr8:38,233,088-38,233,095, GATGCTGG duplicated; duplicating any 8 consecutive bases within chr8:38,233,087-38,233,095 gives the same sequence; the c. name uses the placement nearest the transcript's 3' end. VCF-style (leftmost placement, unchanged base first): chr8-38233086-T-TGGATGCTG. GRCh37 (hg19) VCF-style: chr8-38090604-T-TGGATGCTG.
Other names: c.94_101dup, p.Ser35fs (NM_001164232.2, NM_001164234.2, NM_001362911.2 and 3 more transcripts); c.94_101dupGATGCTGG (NM_015214.2); short protein forms S35fs.
Identifiers: ClinVar variation 523988 (VCV000523988.2), dbSNP rs1554510884, ClinGen allele CA460371449.
Genomic context (GRCh38, chr8:38,233,086, plus strand): 5'-TGTCCCAGTCAGATCCATCTCCGTCACCAAACTCATGTAGTTCCTTTGAGCTAATAGACA[T>TGGATGCTG]GGATGCTGGCAGCTTGTATGAACCAGTTTCTCCCCATTGGTTTTATTGTAAGATAATAGA-3'

ClinVar aggregate classification (germline): Pathogenic (1 of 4 stars; one submission).

Submission:

GeneDx
Classification: Pathogenic. Last evaluated: 2018-03-19. Review status: criteria provided, single submitter. Criteria: GeneDx Variant Classification (06012015). Collection method: clinical testing. Allele origin: germline. Affected: yes.
Comment: The c.94_101dupGATGCTGG variant in the DDHD2 gene has not been reported previously as a pathogenic variant nor as a benign variant, to our knowledge. The c.94_101dupGATGCTGG variant causes a frameshift starting with codon Serine 35, changes this amino acid to a Methionine residue, and creates a premature Stop codon at position 18 of the new reading frame, denoted p.Ser35MetfsX18. This variant is predicted to cause loss of normal protein function either through protein truncation or nonsense-mediated mRNA decay. The c.94_101dupGATGCTGG variant is not observed in large population cohorts (Lek et al., 2016). We interpret c.94_101dupGATGCTGG as a pathogenic variant.